The following is an entry in ClinVar:

NM_000540.3(RYR1):c.7178A>C (p.Asp2393Ala)

Gene: RYR1 (ryanodine receptor 1; plus strand). Cytogenetic location: 19q13.2.
Variant type: single nucleotide variant.
Coding change: c.7178A>C on transcript NM_000540.3 (MANE Select); coding-DNA position 7178, A replaced by C.
Protein change: p.Asp2393Ala; replaces aspartic acid 2393 with alanine.
Molecular consequence: missense variant.
Genome position (GRCh38, 1-based): chr19:38,499,785, A>C. VCF-style: chr19-38499785-A-C. GRCh37 (hg19) VCF-style: chr19-38990425-A-C.
Other names: c.7178A>C, p.Asp2393Ala (NM_001042723.2); short protein forms D2393A.
Identifiers: ClinVar variation 1723765 (VCV001723765.3), dbSNP rs376251146, ClinGen allele CA069214.
Genomic context (GRCh38, chr19:38,499,785, plus strand): 5'-GCTCAGGGCTGCTGGCTGCCATCGAAGAGGCCATCCGCATCTCCGAGGACCCTGCGAGGG[A>C]TGGCCCAGGCATCCGCAGGGACCGGCGGCGCGAGCAGTGAGTCTCCCGGCCCCCTCCTCA-3'
Protein context (NP_000531.2, residues 2383-2403): AIRISEDPAR[Asp2393Ala]GPGIRRDRRR

ClinVar aggregate classification (germline): Uncertain significance (1 of 4 stars; one submission).

Allele frequency attached by ClinVar (database versions not stated): TOPMed below 0.00001; ExAC 0.00001; ESP Exome Variant Server 0.00008.
gnomAD v4.1: 1 of 1,604,016 alleles (0.000062%); highest among the groups gnomAD compares: Non-Finnish European, 0.000085%; no homozygotes.

Submission:

GeneDx
Classification: Uncertain significance. Last evaluated: 2024-06-07. Review status: criteria provided, single submitter. Criteria: GeneDx Variant Classification Process June 2021. Collection method: clinical testing. Allele origin: germline. Affected: yes.
Comment: Not observed at significant frequency in large population cohorts (gnomAD); In silico analysis supports that this missense variant has a deleterious effect on protein structure/function; Has not been previously published as pathogenic or benign to our knowledge; This variant is associated with the following publications: (PMID: 12668474, :33767344)